The following is an entry in ClinVar:

NM_004104.5(FASN):c.5761C>G (p.Arg1921Gly)

Gene: FASN (fatty acid synthase; minus strand). Cytogenetic location: 17q25.3.
Variant type: single nucleotide variant.
Coding change: c.5761C>G on transcript NM_004104.5 (MANE Select); coding-DNA position 5761, C replaced by G.
Protein change: p.Arg1921Gly; replaces arginine 1921 with glycine.
Molecular consequence: missense variant.
Genome position (GRCh38, 1-based): chr17:82,082,920, G>C on the plus strand (C>G on the coding strand, the complement: FASN is on the minus strand). VCF-style: chr17-82082920-G-C. GRCh37 (hg19) VCF-style: chr17-80040796-G-C.
Other names: short protein forms R1921G.
Identifiers: ClinVar variation 847027 (VCV000847027.9), dbSNP rs142537824, ClinGen allele CA8851574.

ClinVar aggregate classification (germline): Uncertain significance (1 of 4 stars; one submission).

Conditions:
Epileptic encephalopathy. Identifiers: MedGen C0543888, HP:0200134.

Allele frequency attached by ClinVar (database versions not stated): gnomAD 0.00002; gnomAD exomes 0.00002; TOPMed 0.00002; ESP Exome Variant Server 0.00008.
gnomAD v4.1: 29 of 1,612,574 alleles (0.0018%); highest among the groups gnomAD compares: Non-Finnish European, 0.0023%; no homozygotes.

Submission:

Labcorp Genetics (formerly Invitae), Labcorp
Classification: Uncertain significance for Epileptic encephalopathy. Last evaluated: 2024-02-10. Review status: criteria provided, single submitter. Criteria: Invitae Variant Classification Sherloc (09022015). Collection method: clinical testing. Allele origin: germline.
Comment: This sequence change replaces arginine, which is basic and polar, with glycine, which is neutral and non-polar, at codon 1921 of the FASN protein (p.Arg1921Gly). This variant is present in population databases (rs142537824, gnomAD 0.003%). This variant has not been reported in the literature in individuals affected with FASN-related conditions. ClinVar contains an entry for this variant (Variation ID: 847027). An algorithm developed to predict the effect of missense changes on protein structure and function (PolyPhen-2) suggests that this variant is likely to be disruptive. In summary, the available evidence is currently insufficient to determine the role of this variant in disease. Therefore, it has been classified as a Variant of Uncertain Significance.